The following is an entry in ClinVar:

ClinVar aggregate classification (germline): Uncertain significance (1 of 4 stars; one submission).

Submission:

Labcorp Genetics (formerly Invitae), Labcorp
Classification: Uncertain significance. Last evaluated: 2022-02-06. Review status: criteria provided, single submitter. Criteria: Invitae Variant Classification Sherloc (09022015). Collection method: clinical testing. Allele origin: germline.
Comment: This sequence change replaces glycine, which is neutral and non-polar, with glutamic acid, which is acidic and polar, at codon 1183 of the COL4A3 protein (p.Gly1183Glu). This variant is not present in population databases (gnomAD no frequency). This variant has not been reported in the literature in individuals affected with COL4A3-related conditions. Advanced modeling of protein sequence and biophysical properties (such as structural, functional, and spatial information, amino acid conservation, physicochemical variation, residue mobility, and thermodynamic stability) performed at Invitae indicates that this missense variant is expected to disrupt COL4A3 protein function. In summary, the available evidence is currently insufficient to determine the role of this variant in disease. Therefore, it has been classified as a Variant of Uncertain Significance.

NM_000091.5(COL4A3):c.3548G>A (p.Gly1183Glu)

Genes: COL4A3 (collagen type IV alpha 3 chain; plus strand), MFF-DT (MFF divergent transcript; minus strand). Cytogenetic location: 2q36.3.
Variant type: single nucleotide variant.
Coding change: c.3548G>A on transcript NM_000091.5 (MANE Select); coding-DNA position 3548, G replaced by A.
Protein change: p.Gly1183Glu; replaces glycine 1183 with glutamic acid.
Molecular consequence: missense variant.
Genome position (GRCh38, 1-based): chr2:227,295,299, G>A. VCF-style: chr2-227295299-G-A. GRCh37 (hg19) VCF-style: chr2-228160015-G-A.
Other names: short protein forms G1183E.
Identifiers: ClinVar variation 2094077 (VCV002094077.1), dbSNP rs2469865812, ClinGen allele CA350859295.
Genomic context (GRCh38, chr2:227,295,299, plus strand): 5'-TTATTAACATGCCAAGATTATCTCTTTCAGGTTTATTGAGGGCCCCTCCAGGCCCAAGAG[G>A]GAACCCTGGTGCTCAAGGTAAGCAGTTCTTCTTCCCTGTCCTAATGTACACATTTTCAAG-3'
Protein context (NP_000082.2, residues 1173-1193): GLLRAPPGPR[Gly1183Glu]NPGAQGAKGD